The following is an entry in ClinVar:

ClinVar aggregate classification (germline): Uncertain significance (1 of 4 stars; one submission).

Conditions:
RASopathy. Also called: rasopathies; Noonan spectrum disorder. Identifiers: Orphanet 536391, MedGen C5555857, MONDO:0021060.

Submission:

Labcorp Genetics (formerly Invitae), Labcorp
Classification: Uncertain significance for RASopathy. Last evaluated: 2024-11-04. Review status: criteria provided, single submitter. Criteria: Invitae Variant Classification Sherloc (09022015). Collection method: clinical testing. Allele origin: germline.
Comment: This sequence change replaces lysine, which is basic and polar, with glutamic acid, which is acidic and polar, at codon 389 of the SOS1 protein (p.Lys389Glu). This variant is not present in population databases (gnomAD no frequency). This variant has not been reported in the literature in individuals affected with SOS1-related conditions. ClinVar contains an entry for this variant (Variation ID: 1392788). Invitae Evidence Modeling of protein sequence and biophysical properties (such as structural, functional, and spatial information, amino acid conservation, physicochemical variation, residue mobility, and thermodynamic stability) has been performed for this missense variant. However, the output from this modeling did not meet the statistical confidence thresholds required to predict the impact of this variant on SOS1 protein function. In summary, the available evidence is currently insufficient to determine the role of this variant in disease. Therefore, it has been classified as a Variant of Uncertain Significance.

NM_005633.4(SOS1):c.1165A>G (p.Lys389Glu)

Gene: SOS1 (SOS Ras/Rac guanine nucleotide exchange factor 1; minus strand). Cytogenetic location: 2p22.1.
Variant type: single nucleotide variant.
Coding change: c.1165A>G on transcript NM_005633.4 (MANE Select); coding-DNA position 1165, A replaced by G.
Protein change: p.Lys389Glu; replaces lysine 389 with glutamic acid.
Molecular consequence: missense variant.
Genome position (GRCh38, 1-based): chr2:39,024,047, T>C on the plus strand (A>G on the coding strand, the complement: SOS1 is on the minus strand). VCF-style: chr2-39024047-T-C. GRCh37 (hg19) VCF-style: chr2-39251188-T-C.
Other names: c.1144A>G, p.Lys382Glu (NM_001382394.1); c.1165A>G, p.Lys389Glu (NM_001382395.1); short protein forms K389E, K382E.
Identifiers: ClinVar variation 1392788 (VCV001392788.6), dbSNP rs2124539595, ClinGen allele CA346366818.
Genomic context (GRCh38, chr2:39,024,047, plus strand): 5'-TTTTAAAAAGTAAAAATATTCACCTCAGTCTTCGTTTTGCAAGACTTTTAGAACATATTT[T>C]TTCCATACCACTCTGAACATTAAGCAAAGCTGTTATTGCTTGTTTTAAACATTCCTTGTC-3'
Protein context (NP_005624.2, residues 379-399): ALLNVQSGME[Lys389Glu]ICSKSLAKRR